The following is an entry in ClinVar:

ClinVar aggregate classification (germline): Uncertain significance (1 of 4 stars; one submission).

Conditions:
Inborn genetic diseases. Identifiers: MedGen C0950123, MeSH D030342.

Allele frequency attached by ClinVar (database versions not stated): gnomAD exomes below 0.00001; TOPMed 0.00001.

Submission:

Ambry Genetics
Classification: Uncertain significance for Inborn genetic diseases. Last evaluated: 2022-04-01. Review status: criteria provided, single submitter. Criteria: Ambry Variant Classification Scheme 2023. Collection method: clinical testing. Allele origin: germline.
Comment: The p.R57Q variant (also known as c.170G>A), located in coding exon 1 of the SMAD2 gene, results from a G to A substitution at nucleotide position 170. The arginine at codon 57 is replaced by glutamine, an amino acid with highly similar properties. This amino acid position is conserved. In addition, this alteration is predicted to be tolerated by in silico analysis. Since supporting evidence is limited at this time, the clinical significance of this alteration remains unclear.

NM_005901.6(SMAD2):c.170G>A (p.Arg57Gln)

Gene: SMAD2 (SMAD family member 2; minus strand). Cytogenetic location: 18q21.1.
Variant type: single nucleotide variant.
Coding change: c.170G>A on transcript NM_005901.6 (MANE Select); coding-DNA position 170, G replaced by A.
Protein change: p.Arg57Gln; replaces arginine 57 with glutamine.
Molecular consequence: missense variant.
Genome position (GRCh38, 1-based): chr18:47,896,587, C>T on the plus strand (G>A on the coding strand, the complement: SMAD2 is on the minus strand). VCF-style: chr18-47896587-C-T. GRCh37 (hg19) VCF-style: chr18-45422958-C-T.
Other names: c.170G>A, p.Arg57Gln (NM_001003652.4, NM_001135937.3); short protein forms R57Q.
Identifiers: ClinVar variation 1778533 (VCV001778533.2), dbSNP rs2033448101, ClinGen allele CA402502958.
Genomic context (GRCh38, chr18:47,896,587, plus strand): 5'-ATGGTAACACATTTAGTATTACAGTTTTGAGTGGTGATGGCTTTCTCAAGCTCATCTAAT[C>T]GTCCTGTTTTCTTTAGCTTCTTCACCAGACTTTTCACTGCTTTCTCACACCACTTTTCTT-3'
Protein context (NP_005892.1, residues 47-67): SLVKKLKKTG[Arg57Gln]LDELEKAITT